The following is an entry in ClinVar:

ClinVar aggregate classification (germline): Uncertain significance (1 of 4 stars; one submission).

Conditions:
Focal segmental glomerulosclerosis 5 (FSGS5). Identifiers: Orphanet 656, MedGen C2750475, MONDO:0013191, OMIM 613237.
Charcot-Marie-Tooth disease dominant intermediate E. Also called: CHARCOT-MARIE-TOOTH NEUROPATHY WITH FOCAL SEGMENTAL GLOMERULONEPHRITIS. Identifiers: Orphanet 93114, MedGen C4302667, MONDO:0013758, OMIM 614455.

Allele frequency attached by ClinVar (database versions not stated): gnomAD exomes below 0.00001.
gnomAD v4.1: 6 of 1,612,670 alleles (0.00037%); highest among the groups gnomAD compares: Non-Finnish European, 0.00051%; no homozygotes.

Submission:

Labcorp Genetics (formerly Invitae), Labcorp
Classification: Uncertain significance for Charcot-Marie-Tooth disease dominant intermediate E; Focal segmental glomerulosclerosis 5. Last evaluated: 2024-01-27. Review status: criteria provided, single submitter. Criteria: Invitae Variant Classification Sherloc (09022015). Collection method: clinical testing. Allele origin: germline.
Comment: This sequence change replaces leucine, which is neutral and non-polar, with methionine, which is neutral and non-polar, at codon 708 of the INF2 protein (p.Leu708Met). This variant is not present in population databases (gnomAD no frequency). This variant has not been reported in the literature in individuals affected with INF2-related conditions. Advanced modeling of protein sequence and biophysical properties (such as structural, functional, and spatial information, amino acid conservation, physicochemical variation, residue mobility, and thermodynamic stability) performed at Invitae indicates that this missense variant is not expected to disrupt INF2 protein function with a negative predictive value of 95%. In summary, the available evidence is currently insufficient to determine the role of this variant in disease. Therefore, it has been classified as a Variant of Uncertain Significance.

NM_022489.4(INF2):c.2122C>A (p.Leu708Met)

Gene: INF2 (inverted formin 2; plus strand). Cytogenetic location: 14q32.33.
Variant type: single nucleotide variant.
Coding change: c.2122C>A on transcript NM_022489.4 (MANE Select); coding-DNA position 2122, C replaced by A.
Protein change: p.Leu708Met; replaces leucine 708 with methionine.
Molecular consequence: missense variant.
Genome position (GRCh38, 1-based): chr14:104,709,689, C>A. VCF-style: chr14-104709689-C-A. GRCh37 (hg19) VCF-style: chr14-105176026-C-A.
Other names: c.2122C>A, p.Leu708Met (NM_001031714.4, NM_001426862.1, NM_001426863.1 and 2 more transcripts); short protein forms L708M.
Identifiers: ClinVar variation 2931531 (VCV002931531.3), dbSNP rs2541931391, ClinGen allele CA391220102.